The following is an entry in ClinVar:

ClinVar aggregate classification (germline): Likely benign. Review status: criteria provided, multiple submitters, no conflicts (2 of 4 stars). 2 submissions from 2 submitters: Likely benign (2). Last evaluated 2024-03-05.

Conditions:
Cardiomyopathy (CMYO). Also called: Cardiomyopathies. Identifiers: Orphanet 167848, MedGen C0878544, MONDO:0004994, HP:0001638. Inheritance: Various modes of inheritance.
Catecholaminergic polymorphic ventricular tachycardia (CVPT). Also called: Catecholamine-induced polymorphic ventricular tachycardia. Identifiers: Orphanet 3286, MedGen C5574922, MONDO:0017990.

Allele frequency attached by ClinVar (database versions not stated): gnomAD exomes below 0.00001 and 0.00002; TOPMed below 0.00001; gnomAD 0.00001; ExAC 0.00002.
gnomAD v4.1: 3 of 1,613,044 alleles (0.00019%); highest among the groups gnomAD compares: East Asian, 0.0067%; no homozygotes.

Submissions (2):

All of Us Research Program, National Institutes of Health
Classification: Likely benign for Catecholaminergic polymorphic ventricular tachycardia. Last evaluated: 2024-03-05. Review status: criteria provided, single submitter. Criteria: ACMG Guidelines, 2015. Collection method: clinical testing. Allele origin: germline. Inheritance: Autosomal dominant inheritance. Observed: 1 variant allele, 1 heterozygote.
Comment: This study involves interpretation of variants in research participants for the purpose of population health screening. Participant phenotype was not available at the time of variant classification. Additional details can be found in publication PMID: 35346344, PMCID: PMC8962531

Color Diagnostics, LLC DBA Color Health
Classification: Likely benign for Cardiomyopathy. Last evaluated: 2021-03-23. Review status: criteria provided, single submitter. Criteria: ACMG Guidelines, 2015. Collection method: clinical testing. Allele origin: germline.

NM_001035.3(RYR2):c.1911A>G (p.Leu637=)

Gene: RYR2 (ryanodine receptor 2; plus strand). Cytogenetic location: 1q43.
Variant type: single nucleotide variant.
Coding change: c.1911A>G on transcript NM_001035.3 (MANE Select); coding-DNA position 1911, A replaced by G.
Protein change: p.Leu637=; no amino-acid change (leucine 637 retained).
Molecular consequence: synonymous variant.
Genome position (GRCh38, 1-based): chr1:237,493,037, A>G. VCF-style: chr1-237493037-A-G. GRCh37 (hg19) VCF-style: chr1-237656337-A-G.
Identifiers: ClinVar variation 1332598 (VCV001332598.3), dbSNP rs776010491, ClinGen allele CA085911.
Genomic context (GRCh38, chr1:237,493,037, plus strand): 5'-CTGTGTTTGCCACGGGGTTGCAGTCCGTTCTAACCAGCATCTCATCTGTGACAATCTCCT[A>G]CCAGGAAGAGACTTGTTATTGCAGACACGTCTTGTGAACCATGTCAGCAGGTAAATTCAG-3'
Protein context (NP_001026.2, residues 627-647): SNQHLICDNL[Leu637=]PGRDLLLQTR